The following is an entry in ClinVar:

ClinVar aggregate classification (germline): Uncertain significance (1 of 4 stars; one submission).

Submission:

Labcorp Genetics (formerly Invitae), Labcorp
Classification: Uncertain significance. Last evaluated: 2022-07-01. Review status: criteria provided, single submitter. Criteria: Invitae Variant Classification Sherloc (09022015). Collection method: clinical testing. Allele origin: germline.
Comment: In summary, the available evidence is currently insufficient to determine the role of this variant in disease. Therefore, it has been classified as a Variant of Uncertain Significance. Algorithms developed to predict the effect of missense changes on protein structure and function (SIFT, PolyPhen-2, Align-GVGD) all suggest that this variant is likely to be tolerated. This variant has not been reported in the literature in individuals affected with BRD4-related conditions. This variant is not present in population databases (gnomAD no frequency). This sequence change replaces glutamine, which is neutral and polar, with arginine, which is basic and polar, at codon 1038 of the BRD4 protein (p.Gln1038Arg).

NM_001379291.1(BRD4):c.3113A>G (p.Gln1038Arg)

Gene: BRD4 (bromodomain containing 4; minus strand). Cytogenetic location: 19p13.12.
Variant type: single nucleotide variant.
Coding change: c.3113A>G on transcript NM_001379291.1 (MANE Select); coding-DNA position 3113, A replaced by G.
Protein change: p.Gln1038Arg; replaces glutamine 1038 with arginine.
Molecular consequence: missense variant.
Genome position (GRCh38, 1-based): chr19:15,242,956, T>C on the plus strand (A>G on the coding strand, the complement: BRD4 is on the minus strand). VCF-style: chr19-15242956-T-C. GRCh37 (hg19) VCF-style: chr19-15353767-T-C.
Other names: c.3113A>G, p.Gln1038Arg (NM_058243.3); short protein forms Q1038R.
Identifiers: ClinVar variation 2013016 (VCV002013016.4), dbSNP rs2512710445, ClinGen allele CA404503118.